The following is an entry in ClinVar:

NC_012920.1(MT-CO1):m.6061T>C

Gene: MT-CO1 (mitochondrially encoded cytochrome c oxidase I; plus strand).
Variant type: single nucleotide variant.
Genome position: chrM-6061-T-C.
Identifiers: ClinVar variation 692614 (VCV000692614.1), dbSNP rs1603220252, ClinGen allele CA414781453.

ClinVar aggregate classification (germline): Uncertain significance (1 of 4 stars; one submission).

Conditions:
Leigh syndrome (NULS). Also called: Leigh's necrotizing encephalopathy; Leigh's disease; Leigh Syndrome (mtDNA deletion); Leigh Disease; Subacute necrotizing encephalopathy; Necrotizing encephalopathy infantile subacute of Leigh. Identifiers: Orphanet 506, MedGen C2931891, MONDO:0009723, OMIM 256000.

Submission:

Wong Mito Lab, Molecular and Human Genetics, Baylor College of Medicine
Classification: Uncertain significance for Leigh syndrome. Last evaluated: 2019-10-17. Review status: criteria provided, single submitter. Criteria: Modified ACMG Guidelines (Unpublished). Collection method: clinical testing. Allele origin: germline.
Comment: The NC_012920.1:m.6061T>C (YP_003024028.1:p.Ile53Thr) variant in MTCO1 gene is interpretated to be a Uncertain Significance variant based on the modified ACMG guidelines (unpublished). This variant meets the following evidence codes: PP3, PP4